The following is an entry in ClinVar:

ClinVar aggregate classification (germline): Benign/Likely benign. Review status: criteria provided, multiple submitters, no conflicts (2 of 4 stars). 5 submissions from 5 submitters: Benign (2); Likely benign (2). 1 of the submissions does not count toward it. Last evaluated 2024-11-24.

Conditions:
NEXMIF-related disorder. Also called: NEXMIF-related condition.

Allele frequency attached by ClinVar (database versions not stated): TOPMed 0.00006; gnomAD 0.00008 and 0.00012; ESP Exome Variant Server 0.00009.
gnomAD v4.1: 181 of 1,209,153 alleles (0.015%); highest among the groups gnomAD compares: East Asian, 0.31%; 1 homozygote.

Submissions (5):

Labcorp Genetics (formerly Invitae), Labcorp
Classification: Benign. Last evaluated: 2024-11-24. Review status: criteria provided, single submitter. Criteria: Invitae Variant Classification Sherloc (09022015). Collection method: clinical testing. Allele origin: germline.

Mayo Clinic Laboratories, Mayo Clinic
Classification: Benign. Last evaluated: 2024-11-01. Review status: criteria provided, single submitter. Criteria: ACMG Guidelines, 2015. Collection method: clinical testing. Allele origin: germline. Observed: 1 variant allele.
Comment: BS1, BS2

CeGaT Center for Human Genetics Tuebingen
Classification: Likely benign. Last evaluated: 2024-08-01. Review status: criteria provided, single submitter. Criteria: CeGaT Center For Human Genetics Tuebingen Variant Classification Criteria Version 2. Collection method: clinical testing. Allele origin: germline. Affected: yes. Observed: 1 variant allele.
Comment: NEXMIF: BS2

Ambry Genetics
Classification: Likely benign. Last evaluated: 2024-05-16. Review status: criteria provided, single submitter. Criteria: Ambry Variant Classification Scheme 2023. Collection method: clinical testing. Allele origin: germline.

PreventionGenetics, part of Exact Sciences
Classification: Likely benign for NEXMIF-related condition. Last evaluated: 2021-03-02. Review status: no assertion criteria provided. Collection method: clinical testing. Allele origin: germline. Not counted in ClinVar's aggregate classification.
Comment: This variant is classified as likely benign based on ACMG/AMP sequence variant interpretation guidelines (Richards et al. 2015 PMID: 25741868, with internal and published modifications).

NM_001008537.3(NEXMIF):c.4325C>T (p.Pro1442Leu)

Gene: NEXMIF (neurite extension and migration factor; minus strand). Cytogenetic location: Xq13.3.
Variant type: single nucleotide variant.
Coding change: c.4325C>T on transcript NM_001008537.3 (MANE Select); coding-DNA position 4325, C replaced by T.
Protein change: p.Pro1442Leu; replaces proline 1442 with leucine.
Molecular consequence: missense variant.
Genome position (GRCh38, 1-based): chrX:74,740,232, G>A on the plus strand (C>T on the coding strand, the complement: NEXMIF is on the minus strand). VCF-style: chrX-74740232-G-A. GRCh37 (hg19) VCF-style: chrX-73960067-G-A.
Other names: p.Pro1442Leu; short protein forms P1442L.
Identifiers: ClinVar variation 753341 (VCV000753341.29), dbSNP rs370429318, ClinGen allele CA10454844.